The following is an entry in ClinVar:

NC_000001.10:g.(?_197407491)_(197411316_?)del

Gene: CRB1 (crumbs cell polarity complex component 1; plus strand). Cytogenetic location: 1q31.3.
Variant type: Deletion.
Identifiers: ClinVar variation 1349280 (VCV001349280.7).

ClinVar aggregate classification (germline): Pathogenic (1 of 4 stars; one submission).

Conditions:
Leber congenital amaurosis 8 (LCA8). Identifiers: Orphanet 65, MedGen C3151202, MONDO:0013453, OMIM 613835.
Retinitis pigmentosa 12 (RP12). Also called: RP WITH OR WITHOUT PPRPE; RP WITH OR WITHOUT PRESERVED PARAARTERIOLE RETINAL PIGMENT EPITHELIUM; RETINITIS PIGMENTOSA WITH OR WITHOUT PARAARTERIOLAR PRESERVATION OF RETINAL PIGMENT EPITHELIUM. Identifiers: Orphanet 791, MedGen C1838647, MONDO:0010818, OMIM 600105.

Submission:

Labcorp Genetics (formerly Invitae), Labcorp
Classification: Pathogenic for Leber congenital amaurosis 8; Retinitis pigmentosa 12. Last evaluated: 2022-08-23. Review status: criteria provided, single submitter. Criteria: Invitae Variant Classification Sherloc (09022015). Collection method: clinical testing. Allele origin: germline.
Comment: For these reasons, this variant has been classified as Pathogenic. This variant disrupts a region of the CRB1 protein in which other variant(s) (p.Gly1288Ser) have been determined to be pathogenic (PMID: 31630094, 33342761). This suggests that this is a clinically significant region of the protein, and that variants that disrupt it are likely to be disease-causing. This variant has been observed in individual(s) with clinical features of CRB1-related conditions (Invitae). This variant results in the deletion of exon 10 and part of exon 11 (c.3750-186_3899del) of the CRB1 gene. It is expected to disrupt RNA splicing. Variants that disrupt the donor or acceptor splice site typically lead to a loss of protein function (PMID: 16199547), and loss-of-function variants in CRB1 are known to be pathogenic (PMID: 10508521, 22065545, 23379534, 25412400, 26957898, 28041643, 29391521).

Literature cited by the submitters: PubMed 31630094; PubMed 33342761; PubMed 16199547; PubMed 10508521; PubMed 22065545; PubMed 23379534; PubMed 25412400; PubMed 26957898; PubMed 28041643; PubMed 29391521.